The following is an entry in ClinVar:

NM_002476.2(MYL4):c.231G>C (p.Gln77His)

Gene: MYL4 (myosin light chain 4; plus strand). Cytogenetic location: 17q21.32.
Variant type: single nucleotide variant.
Coding change: c.231G>C on transcript NM_002476.2 (MANE Select); coding-DNA position 231, G replaced by C.
Protein change: p.Gln77His; replaces glutamine 77 with histidine.
Molecular consequence: missense variant.
Genome position (GRCh38, 1-based): chr17:47,219,971, G>C. VCF-style: chr17-47219971-G-C. GRCh37 (hg19) VCF-style: chr17-45297337-G-C.
Other names: c.231G>C, p.Gln77His (NM_001002841.2); short protein forms Q77H.
Identifiers: ClinVar variation 2978411 (VCV002978411.3), dbSNP rs143062804, ClinGen allele CA8622687.

ClinVar aggregate classification (germline): Uncertain significance (1 of 4 stars; one submission).

Conditions:
Atrial fibrillation, familial, 18 (ATFB18). Identifiers: MedGen C4310636, MONDO:0015001, OMIM 617280.

Allele frequency attached by ClinVar (database versions not stated): TOPMed 0.00002; ESP Exome Variant Server 0.00008.
gnomAD v4.1: 1 of 1,614,206 alleles (0.000062%); highest among the groups gnomAD compares: African/African-American, 0.0013%; no homozygotes.

Submission:

Labcorp Genetics (formerly Invitae), Labcorp
Classification: Uncertain significance for Atrial fibrillation, familial, 18. Last evaluated: 2024-09-15. Review status: criteria provided, single submitter. Criteria: Invitae Variant Classification Sherloc (09022015). Collection method: clinical testing. Allele origin: germline.
Comment: This sequence change replaces glutamine, which is neutral and polar, with histidine, which is basic and polar, at codon 77 of the MYL4 protein (p.Gln77His). This variant is not present in population databases (gnomAD no frequency). This variant has not been reported in the literature in individuals affected with MYL4-related conditions. An algorithm developed to predict the effect of missense changes on protein structure and function (PolyPhen-2) suggests that this variant is likely to be disruptive. In summary, the available evidence is currently insufficient to determine the role of this variant in disease. Therefore, it has been classified as a Variant of Uncertain Significance.